The following is an entry in ClinVar:

ClinVar aggregate classification (germline): Uncertain significance (1 of 4 stars; one submission).

Conditions:
Autosomal recessive mendelian susceptibility to mycobacterial diseases due to complete RORgamma receptor deficiency. Also called: Immunodeficiency 42. Identifiers: Orphanet 477857, MedGen C5567647, MONDO:0014710, OMIM 616622.

Allele frequency attached by ClinVar (database versions not stated): ExAC 0.00001; gnomAD 0.00001; gnomAD exomes 0.00002; 1000 Genomes Project 30x 0.00016; 1000 Genomes Project 0.00020.
gnomAD v4.1: 25 of 1,614,244 alleles (0.0015%); highest among the groups gnomAD compares: East Asian, 0.022%; no homozygotes.

Submission:

Labcorp Genetics (formerly Invitae), Labcorp
Classification: Uncertain significance for Autosomal recessive mendelian susceptibility to mycobacterial diseases due to complete RORgamma receptor deficiency. Last evaluated: 2022-06-28. Review status: criteria provided, single submitter. Criteria: Invitae Variant Classification Sherloc (09022015). Collection method: clinical testing. Allele origin: germline.
Comment: This sequence change replaces arginine, which is basic and polar, with glutamine, which is neutral and polar, at codon 228 of the RORC protein (p.Arg228Gln). This variant is present in population databases (rs200978307, gnomAD 0.01%). This variant has not been reported in the literature in individuals affected with RORC-related conditions. Algorithms developed to predict the effect of missense changes on protein structure and function (SIFT, PolyPhen-2, Align-GVGD) all suggest that this variant is likely to be tolerated. In summary, the available evidence is currently insufficient to determine the role of this variant in disease. Therefore, it has been classified as a Variant of Uncertain Significance.

NM_005060.4(RORC):c.683G>A (p.Arg228Gln)

Gene: RORC (RAR related orphan receptor C; minus strand). Cytogenetic location: 1q21.3.
Variant type: single nucleotide variant.
Coding change: c.683G>A on transcript NM_005060.4 (MANE Select); coding-DNA position 683, G replaced by A.
Protein change: p.Arg228Gln; replaces arginine 228 with glutamine.
Molecular consequence: missense variant.
Genome position (GRCh38, 1-based): chr1:151,815,041, C>T on the plus strand (G>A on the coding strand, the complement: RORC is on the minus strand). VCF-style: chr1-151815041-C-T. GRCh37 (hg19) VCF-style: chr1-151787517-C-T.
Other names: c.620G>A, p.Arg207Gln (NM_001001523.2); short protein forms R228Q, R207Q.
Identifiers: ClinVar variation 1387571 (VCV001387571.6), dbSNP rs200978307, ClinGen allele CA1095876.
Genomic context (GRCh38, chr1:151,815,041, plus strand): 5'-GGGCCCTGTCCCAGTTCCCCAAGCCCAGGATGCCTGTGTTCCTCAAAACGAAGTCCACAT[C>T]GGTCAGGGGTCAGCTGGCTGCCTGTGCTATAGAAGCTCTCTCTGCCCTCAGCCTTGCCCC-3'
Protein context (NP_005051.2, residues 218-238): YSTGSQLTPD[Arg228Gln]CGLRFEEHRH